The following is an entry in ClinVar:

ClinVar aggregate classification (germline): Uncertain significance. Review status: criteria provided, multiple submitters, no conflicts (2 of 4 stars). 5 submissions from 5 submitters: Uncertain significance (5). Last evaluated 2024-12-30.

Conditions:
Familial cancer of breast. Also called: BREAST CANCER, FAMILIAL; Hereditary breast cancer; hereditary breast carcinoma. Identifiers: Orphanet 227535, MedGen C0346153, MONDO:0016419, OMIM 114480. Disease mechanism: loss of function.
Hereditary cancer-predisposing syndrome. Also called: Hereditary neoplastic syndrome; Neoplastic Syndromes, Hereditary; Tumor predisposition; Hereditary Cancer Syndrome. Identifiers: Orphanet 140162, MedGen C0027672, MeSH D009386, MONDO:0015356.
Ataxia-telangiectasia syndrome (AT). Also called: LOUIS-BAR SYNDROME; Cerebello-oculocutaneous telangiectasia; Immunodeficiency with ataxia telangiectasia; AT, COMPLEMENTATION GROUP C; Ataxia-telangiectasia, complementation group D; ATAXIA-TELANGIECTASIA, COMPLEMENTATION GROUP A. Identifiers: Orphanet 100, MedGen C0004135, MONDO:0008840, OMIM 208900.

Allele frequency attached by ClinVar (database versions not stated): TOPMed below 0.00001; ExAC 0.00001; gnomAD 0.00001.
gnomAD v4.1: 9 of 1,613,988 alleles (0.00056%); highest among the groups gnomAD compares: Non-Finnish European, 0.00068%; no homozygotes.

Submissions (5):

Athena Diagnostics
Classification: Uncertain significance. Last evaluated: 2024-12-30. Review status: criteria provided, single submitter. Criteria: Athena Diagnostics Criteria. Collection method: clinical testing. Allele origin: unknown.
Comment: Available data are insufficient to determine the clinical significance of the variant at this time. The frequency of this variant in the general population is uninformative in assessment of its pathogenicity. Polyphen and MutationTaster predict this amino acid change may be benign.

Labcorp Genetics (formerly Invitae), Labcorp
Classification: Uncertain significance for Ataxia-telangiectasia syndrome. Last evaluated: 2024-07-30. Review status: criteria provided, single submitter. Criteria: Invitae Variant Classification Sherloc (09022015). Collection method: clinical testing. Allele origin: germline.
Comment: This sequence change replaces methionine, which is neutral and non-polar, with threonine, which is neutral and polar, at codon 929 of the ATM protein (p.Met929Thr). This variant is not present in population databases (gnomAD no frequency). This variant has not been reported in the literature in individuals affected with ATM-related conditions. ClinVar contains an entry for this variant (Variation ID: 481322). An algorithm developed to predict the effect of missense changes on protein structure and function (PolyPhen-2) suggests that this variant is likely to be tolerated. In summary, the available evidence is currently insufficient to determine the role of this variant in disease. Therefore, it has been classified as a Variant of Uncertain Significance.

Color Diagnostics, LLC DBA Color Health
Classification: Uncertain significance for Hereditary cancer-predisposing syndrome. Last evaluated: 2024-03-06. Review status: criteria provided, single submitter. Criteria: ACMG Guidelines, 2015. Collection method: clinical testing. Allele origin: germline.
Comment: This missense variant replaces methionine with threonine at codon 929 of the ATM protein. Computational prediction suggests that this variant may not impact protein structure and function (internally defined REVEL score threshold <= 0.5, PMID: 27666373). To our knowledge, functional studies have not been reported for this variant. This variant has not been reported in individuals affected with hereditary cancer in the literature. This variant has not been identified in the general population by the Genome Aggregation Database (gnomAD). The available evidence is insufficient to determine the role of this variant in disease conclusively. Therefore, this variant is classified as a Variant of Uncertain Significance.

Ambry Genetics
Classification: Uncertain significance for Hereditary cancer-predisposing syndrome. Last evaluated: 2024-02-20. Review status: criteria provided, single submitter. Criteria: Ambry Variant Classification Scheme 2023. Collection method: clinical testing. Allele origin: germline.
Comment: The p.M929T variant (also known as c.2786T>C), located in coding exon 17 of the ATM gene, results from a T to C substitution at nucleotide position 2786. The methionine at codon 929 is replaced by threonine, an amino acid with similar properties. This amino acid position is not well conserved in available vertebrate species. In addition, this alteration is predicted to be tolerated by in silico analysis. Since supporting evidence is limited at this time, the clinical significance of this alteration remains unclear.

Baylor Genetics
Classification: Uncertain significance for Familial cancer of breast. Last evaluated: 2023-07-11. Review status: criteria provided, single submitter. Criteria: ACMG Guidelines, 2015. Collection method: clinical testing. Allele origin: unknown.

NM_000051.4(ATM):c.2786T>C (p.Met929Thr)

Gene: ATM (ATM serine/threonine kinase; plus strand). Cytogenetic location: 11q22.3.
Variant type: single nucleotide variant.
Coding change: c.2786T>C on transcript NM_000051.4 (MANE Select); coding-DNA position 2786, T replaced by C.
Protein change: p.Met929Thr; replaces methionine 929 with threonine.
Molecular consequence: missense variant.
Genome position (GRCh38, 1-based): chr11:108,268,557, T>C. VCF-style: chr11-108268557-T-C. GRCh37 (hg19) VCF-style: chr11-108139284-T-C.
Other names: c.2786T>C, p.Met929Thr (NM_001351834.2); short protein forms M929T.
Identifiers: ClinVar variation 481322 (VCV000481322.22), dbSNP rs745737218, ClinGen allele CA6265112.